The following is an entry in ClinVar:

ClinVar aggregate classification (germline): Benign/Likely benign. Review status: criteria provided, multiple submitters, no conflicts (2 of 4 stars). 6 submissions from 6 submitters: Benign (4); Likely benign (2). Last evaluated 2026-02-03.

Conditions:
Hypertrophic cardiomyopathy. Also called: HYPERTROPHIC MYOCARDIOPATHY. Identifiers: Orphanet 217569, MedGen C0007194, MeSH D002312, MONDO:0005045, HP:0001639.

Allele frequency attached by ClinVar (database versions not stated): gnomAD exomes 0.00004 and 0.00013; ExAC 0.00018; 1000 Genomes Project 30x 0.00031; 1000 Genomes Project 0.00040; ESP Exome Variant Server 0.00046; TOPMed 0.00049; gnomAD 0.00050 and 0.00055.
gnomAD v4.1: 135 of 1,613,804 alleles (0.0084%); highest among the groups gnomAD compares: African/African-American, 0.17%; no homozygotes.

Submissions (6):

Labcorp Genetics (formerly Invitae), Labcorp
Classification: Benign for Hypertrophic cardiomyopathy. Last evaluated: 2026-02-03. Review status: criteria provided, single submitter. Criteria: Invitae Variant Classification Sherloc (09022015). Collection method: clinical testing. Allele origin: germline.

ARUP Laboratories, Molecular Genetics and Genomics, ARUP Laboratories
Classification: Benign. Last evaluated: 2024-12-12. Review status: criteria provided, single submitter. Criteria: ARUP Molecular Germline Variant Investigation Process 2024. Collection method: clinical testing. Allele origin: germline.

Women's Health and Genetics/Laboratory Corporation of America, LabCorp
Classification: Likely benign. Last evaluated: 2023-08-19. Review status: criteria provided, single submitter. Criteria: LabCorp Variant Classification Summary - May 2015. Collection method: clinical testing. Allele origin: germline.

Blueprint Genetics
Classification: Likely benign. Last evaluated: 2022-11-24. Review status: criteria provided, single submitter. Criteria: ACMG Guidelines, 2015. Collection method: clinical testing. Allele origin: germline.

GeneDx
Classification: Benign. Last evaluated: 2015-11-12. Review status: criteria provided, single submitter. Criteria: GeneDx Variant Classification (06012015). Collection method: clinical testing. Allele origin: germline. Affected: yes.
Comment: This variant is considered likely benign or benign based on one or more of the following criteria: it is a conservative change, it occurs at a poorly conserved position in the protein, it is predicted to be benign by multiple in silico algorithms, and/or has population frequency not consistent with disease.

Breakthrough Genomics
Classification: Benign. Review status: criteria provided, single submitter. Criteria: ACMG Guidelines, 2015. Collection method: not provided. Allele origin: germline. Inheritance: Autosomal recessive inheritance. Affected: yes.

NM_000257.4(MYH7):c.2163-16A>T

Gene: MYH7 (myosin heavy chain 7; minus strand). Cytogenetic location: 14q11.2.
Variant type: single nucleotide variant.
Coding change: c.2163-16A>T on transcript NM_000257.4 (MANE Select); 16 bases into the intron before coding-DNA position 2163, A replaced by T.
Molecular consequence: intron variant.
Genome position (GRCh38, 1-based): chr14:23,425,834, T>A on the plus strand (A>T on the coding strand, the complement: MYH7 is on the minus strand). VCF-style: chr14-23425834-T-A. GRCh37 (hg19) VCF-style: chr14-23895043-T-A.
Other names: c.2163-16A>T (LRG_384t1, NM_000257.3).
Identifiers: ClinVar variation 378212 (VCV000378212.12), dbSNP rs199538267, ClinGen allele CA031532.